The following is an entry in ClinVar:

NM_022841.7(RFX7):c.1624G>A (p.Glu542Lys)

Gene: RFX7 (regulatory factor X7; minus strand). Cytogenetic location: 15q21.3.
Variant type: single nucleotide variant.
Coding change: c.1624G>A on transcript NM_022841.7 (MANE Select); coding-DNA position 1624, G replaced by A.
Protein change: p.Glu542Lys; replaces glutamic acid 542 with lysine.
Molecular consequence: missense variant.
Genome position (GRCh38, 1-based): chr15:56,096,104, C>T on the plus strand (G>A on the coding strand, the complement: RFX7 is on the minus strand). VCF-style: chr15-56096104-C-T. GRCh37 (hg19) VCF-style: chr15-56388302-C-T.
Other names: c.1333G>A, p.Glu445Lys (NM_001368073.2, NM_001368074.1, NM_001370554.1); c.1624G>A, p.Glu542Lys (NM_001370561.1); short protein forms E445K, E542K.
Identifiers: ClinVar variation 4534208 (VCV004534208.6).
Genomic context (GRCh38, chr15:56,096,104, plus strand): 5'-GAGCTTTAGCCTCATCAGAGTTCTCTTGGCACTGTACAGGATGCTCATCTGATGATGTTT[C>T]GGGTTCCACTTTGACTTCCACAGCAGATGTTCCCCCCGCACTGCTGCTCCTGGACCCAGG-3'
Protein context (NP_073752.6, residues 532-552): TSAVEVKVEP[Glu542Lys]TSSDEHPVQC

ClinVar aggregate classification (germline): Likely benign (1 of 4 stars; one submission).

gnomAD v4.1: 10 of 1,613,552 alleles (0.00062%); highest among the groups gnomAD compares: Middle Eastern, 0.016%; no homozygotes.

Submission:

CeGaT Center for Human Genetics Tuebingen
Classification: Likely benign. Last evaluated: 2025-10-01. Review status: criteria provided, single submitter. Criteria: CeGaT Center For Human Genetics Tuebingen Variant Classification Criteria Version 2. Collection method: clinical testing. Allele origin: germline. Affected: yes. Observed: 1 variant allele.
Comment: RFX7: BP4